The following is an entry in ClinVar:

ClinVar aggregate classification (germline): Uncertain significance (1 of 4 stars; one submission).

Conditions:
Autoimmune interstitial lung disease-arthritis syndrome. Also called: Autoinflammation and autoimmunity, systemic, with immune dysregulation. Identifiers: Orphanet 444092, MedGen C5975714, MONDO:0014629.

gnomAD v4.1: 4 of 1,614,002 alleles (0.00025%); highest among the groups gnomAD compares: Non-Finnish European, 0.00034%; no homozygotes.

Submission:

Labcorp Genetics (formerly Invitae), Labcorp
Classification: Uncertain significance for Autoimmune interstitial lung disease-arthritis syndrome. Last evaluated: 2022-08-18. Review status: criteria provided, single submitter. Criteria: Invitae Variant Classification Sherloc (09022015). Collection method: clinical testing. Allele origin: germline.
Comment: In summary, the available evidence is currently insufficient to determine the role of this variant in disease. Therefore, it has been classified as a Variant of Uncertain Significance. This sequence change replaces arginine, which is basic and polar, with leucine, which is neutral and non-polar, at codon 965 of the COPA protein (p.Arg965Leu). This variant is not present in population databases (gnomAD no frequency). This variant has not been reported in the literature in individuals affected with COPA-related conditions. Advanced modeling of protein sequence and biophysical properties (such as structural, functional, and spatial information, amino acid conservation, physicochemical variation, residue mobility, and thermodynamic stability) performed at Invitae indicates that this missense variant is not expected to disrupt COPA protein function.

NM_004371.4(COPA):c.2894G>T (p.Arg965Leu)

Gene: COPA (coat protein complex I subunit alpha; minus strand). Cytogenetic location: 1q23.2.
Variant type: single nucleotide variant.
Coding change: c.2894G>T on transcript NM_004371.4 (MANE Select); coding-DNA position 2894, G replaced by T.
Protein change: p.Arg965Leu; replaces arginine 965 with leucine.
Molecular consequence: missense variant.
Genome position (GRCh38, 1-based): chr1:160,292,550, C>A on the plus strand (G>T on the coding strand, the complement: COPA is on the minus strand). VCF-style: chr1-160292550-C-A. GRCh37 (hg19) VCF-style: chr1-160262340-C-A.
Other names: c.2921G>T, p.Arg974Leu (NM_001098398.2); short protein forms R965L, R974L.
Identifiers: ClinVar variation 1716662 (VCV001716662.5), dbSNP rs1035996357, ClinGen allele CA343272971.